The following is an entry in ClinVar:

NM_001267550.2(TTN):c.95576_95577del (p.Lys31859fs)

Genes: TTN (titin; minus strand), TTN-AS1 (TTN antisense RNA 1; plus strand). Cytogenetic location: 2q31.2.
Variant type: Deletion.
Coding change: c.95576_95577del on transcript NM_001267550.2 (MANE Select); coding-DNA positions 95576 to 95577, 2 bases deleted (AA; older notation c.95576_95577delAA).
Protein change: p.Lys31859fs; shifts the reading frame from lysine 31859.
Molecular consequence: frameshift variant.
Genome position (GRCh38, 1-based): chr2:178,545,533-178,545,534, TT deleted on the plus strand (AA on the coding strand, the reverse complement: TTN is on the minus strand); deleting any 2 consecutive bases within chr2:178,545,533-178,545,535 gives the same sequence; the c. name uses the placement nearest the transcript's 3' end. VCF-style (leftmost placement, unchanged base first): chr2-178545532-CTT-C. GRCh37 (hg19) VCF-style: chr2-179410259-CTT-C.
Other names: c.90653_90654del, p.Lys30218fs (NM_001256850.1); c.68381_68382del, p.Lys22794fs (NM_003319.4); c.87872_87873del, p.Lys29291fs (NM_133378.4); c.68756_68757del, p.Lys22919fs (NM_133432.3); c.68957_68958del, p.Lys22986fs (NM_133437.4); short protein forms K22919fs, K30218fs, K22794fs, K29291fs, K22986fs, K31859fs.
Identifiers: ClinVar variation 2033568 (VCV002033568.4), dbSNP rs2469011984, ClinGen allele CA2580064711.
Genomic context (GRCh38, chr2:178,545,532, plus strand): 5'-GGTAATCACAACCCTCCATCAGGCTGGTCACCTTCAGCCTGGTATCATACACCACATAGT[CTT>C]TGTTGACACGTGTCCAGCGCAGGCTCTTCTTCTCACGTTTGTCTACTAGGTAGTTGCTGA-3'

ClinVar aggregate classification (germline): Likely pathogenic (1 of 4 stars; one submission).

Conditions:
Dilated cardiomyopathy 1G (CMD1G). Identifiers: Orphanet 154, MedGen C1858763, MONDO:0011400, OMIM 604145.
Autosomal recessive limb-girdle muscular dystrophy type 2J (LGMDR10). Also called: Limb-girdle muscular dystrophy, type 2J; MUSCULAR DYSTROPHY, LIMB-GIRDLE, AUTOSOMAL RECESSIVE 10. Identifiers: Orphanet 140922, MedGen C1837342, MONDO:0012127, OMIM 608807.

Submission:

Labcorp Genetics (formerly Invitae), Labcorp
Classification: Likely pathogenic for Dilated cardiomyopathy 1G; Autosomal recessive limb-girdle muscular dystrophy type 2J. Last evaluated: 2022-10-07. Review status: criteria provided, single submitter. Criteria: Invitae Variant Classification Sherloc (09022015). Collection method: clinical testing. Allele origin: germline.
Comment: This variant has not been reported in the literature in individuals affected with TTN-related conditions. In summary, the currently available evidence indicates that the variant is pathogenic, but additional data are needed to prove that conclusively. Therefore, this variant has been classified as Likely Pathogenic. This variant is located in the A band of TTN (PMID: 25589632). Truncating variants in this region are significantly overrepresented in patients affected with dilated cardiomyopathy (PMID: 25589632). Truncating variants in this region have also been reported in individuals affected with autosomal recessive centronuclear myopathy (PMID: 23975875). This variant is not present in population databases (gnomAD no frequency). This sequence change creates a premature translational stop signal (p.Lys31859Argfs*6) in the TTN gene. While this is not anticipated to result in nonsense mediated decay, it is expected to create a truncated TTN protein.

Literature cited by the submitters: PubMed 25589632; PubMed 23975875.